The following is an entry in ClinVar:

NM_000245.4(MET):c.653G>T (p.Arg218Met)

Gene: MET (MET proto-oncogene, receptor tyrosine kinase; plus strand). Cytogenetic location: 7q31.2.
Variant type: single nucleotide variant.
Coding change: c.653G>T on transcript NM_000245.4 (MANE Select); coding-DNA position 653, G replaced by T.
Protein change: p.Arg218Met; replaces arginine 218 with methionine.
Molecular consequence: missense variant. On other transcripts: intron variant (1).
Genome position (GRCh38, 1-based): chr7:116,699,737, G>T. VCF-style: chr7-116699737-G-T. GRCh37 (hg19) VCF-style: chr7-116339791-G-T.
Other names: c.653G>T, p.Arg218Met (NM_001127500.3, NM_001324401.3); c.-91+27160G>T (NM_001324402.2); c.653G>T (NM_001127500.1); short protein forms R218M.
Identifiers: ClinVar variation 1001288 (VCV001001288.9), dbSNP rs1441045077, ClinGen allele CA368969547.
Genomic context (GRCh38, chr7:116,699,737, plus strand): 5'-GCAATACCATAAATTCTTCTTATTTCCCAGATCATCCATTGCATTCGATATCAGTGAGAA[G>T]GCTAAAGGAAACGAAAGATGGTTTTATGTTTTTGACGGACCAGTCCTACATTGATGTTTT-3'
Protein context (NP_000236.2, residues 208-228): DHPLHSISVR[Arg218Met]LKETKDGFMF

ClinVar aggregate classification (germline): Uncertain significance. Review status: criteria provided, multiple submitters, no conflicts (2 of 4 stars). 2 submissions from 2 submitters: Uncertain significance (2). Last evaluated 2024-12-19.

Conditions:
Renal cell carcinoma. Identifiers: Orphanet 217071, MedGen C0007134, MeSH D002292, MONDO:0005086, HP:0005584.
Hereditary cancer-predisposing syndrome. Also called: Neoplastic Syndromes, Hereditary; Tumor predisposition; Hereditary Cancer Syndrome; Hereditary neoplastic syndrome. Identifiers: Orphanet 140162, MedGen C0027672, MeSH D009386, MONDO:0015356.

gnomAD v4.1: 6 of 1,614,084 alleles (0.00037%); highest among the groups gnomAD compares: Non-Finnish European, 0.00051%; no homozygotes.

Submissions (2):

Ambry Genetics
Classification: Uncertain significance for Hereditary cancer-predisposing syndrome. Last evaluated: 2024-12-19. Review status: criteria provided, single submitter. Criteria: Ambry Variant Classification Scheme 2023. Collection method: clinical testing. Allele origin: germline.
Comment: The p.R218M variant (also known as c.653G>T), located in coding exon 1 of the MET gene, results from a G to T substitution at nucleotide position 653. The arginine at codon 218 is replaced by methionine, an amino acid with similar properties. This amino acid position is conserved. In addition, the in silico prediction for this alteration is inconclusive. Based on the available evidence, the clinical significance of this variant remains unclear.

Labcorp Genetics (formerly Invitae), Labcorp
Classification: Uncertain significance for Renal cell carcinoma. Last evaluated: 2024-04-07. Review status: criteria provided, single submitter. Criteria: Invitae Variant Classification Sherloc (09022015). Collection method: clinical testing. Allele origin: germline.
Comment: This sequence change replaces arginine, which is basic and polar, with methionine, which is neutral and non-polar, at codon 218 of the MET protein (p.Arg218Met). This variant is present in population databases (no rsID available, gnomAD 0.0009%). This variant has not been reported in the literature in individuals affected with MET-related conditions. ClinVar contains an entry for this variant (Variation ID: 1001288). Advanced modeling of protein sequence and biophysical properties (such as structural, functional, and spatial information, amino acid conservation, physicochemical variation, residue mobility, and thermodynamic stability) performed at Invitae indicates that this missense variant is expected to disrupt MET protein function with a positive predictive value of 80%. In summary, the available evidence is currently insufficient to determine the role of this variant in disease. Therefore, it has been classified as a Variant of Uncertain Significance.